The following is an entry in ClinVar:

NM_000431.4(MVK):c.614A>G (p.Asn205Ser)

Gene: MVK (mevalonate kinase; plus strand). Cytogenetic location: 12q24.11.
Variant type: single nucleotide variant.
Coding change: c.614A>G on transcript NM_000431.4 (MANE Select); coding-DNA position 614, A replaced by G.
Protein change: p.Asn205Ser; replaces asparagine 205 with serine.
Molecular consequence: missense variant.
Genome position (GRCh38, 1-based): chr12:109,586,108, A>G. VCF-style: chr12-109586108-A-G. GRCh37 (hg19) VCF-style: chr12-110023913-A-G.
Other names: c.614A>G, p.Asn205Ser (NM_001114185.3); c.458A>G, p.Asn153Ser (NM_001301182.2); short protein forms N205S, N153S.
Identifiers: ClinVar variation 591934 (VCV000591934.7), dbSNP rs767853272, ClinGen allele CA6779308.
Genomic context (GRCh38, chr12:109,586,108, plus strand): 5'-TTAACAAGTGGGCCTTCCAAGGGGAGAGAATGATTCACGGGAACCCCTCCGGAGTGGACA[A>G]TGCTGTCAGCACCTGGGGTAGGTGTGGCCTCAGGTTTATTTTATTGTTGTTATTTTAAAA-3'
Protein context (NP_000422.1, residues 195-215): MIHGNPSGVD[Asn205Ser]AVSTWGGALR

ClinVar aggregate classification (germline): Conflicting classifications of pathogenicity. Review status: criteria provided, conflicting classifications (1 of 4 stars). 4 submissions from 4 submitters: Likely pathogenic (1); Uncertain significance (2). 1 of the submissions does not count toward it. Last evaluated 2026-03-27.

Conditions:
Porokeratosis 3, disseminated superficial actinic type (POROK3). Also called: POROKERATOSIS 3, MULTIPLE TYPES; POROKERATOSIS 3, MIBELLI TYPE; POROKERATOSIS, DISSEMINATED SUPERFICIAL ACTINIC, 1. Identifiers: MedGen C1867981, MONDO:0008293, OMIM 175900.
Mevalonic aciduria (MEVA). Identifiers: Orphanet 29, MedGen C1959626, MONDO:0012481, OMIM 610377.
Hyperimmunoglobulin D with periodic fever (HIDS). Also called: Hyperimmunoglobulinemia D; Hyperimmunoglobulinemia D with periodic fever; HYPERIMMUNOGLOBULINEMIA D AND PERIODIC FEVER SYNDROME. Identifiers: Orphanet 343, MedGen C0398691, MONDO:0009849, OMIM 260920.
Retinal disorder. Also called: Retinopathy; Retinopathies; Retinal Diseases; Retinal disorders. Identifiers: MedGen C0035309, MONDO:0005283, HP:0000488.

Allele frequency attached by ClinVar (database versions not stated): TOPMed below 0.00001; ExAC 0.00001; gnomAD 0.00001; gnomAD exomes 0.00001.

Submissions (4):

Genetics Laboratory, Great Ormond Street Hospital NHS Foundation Trust, North Thames Genomic Laboratory Hub
Classification: Uncertain significance for Retinal disorders. Last evaluated: 2026-03-27. Review status: criteria provided, single submitter. Criteria: ACGS Best Practice Guidelines for Variant Classification in Rare Disease 2024 v1.2. Collection method: clinical testing. Allele origin: germline. Affected: yes.
Comment: PM2_moderate, PP3_supporting, PM5_moderate

Labcorp Genetics (formerly Invitae), Labcorp
Classification: Likely pathogenic for Mevalonic aciduria; Hyperimmunoglobulin D with periodic fever; Porokeratosis 3, disseminated superficial actinic type. Last evaluated: 2026-01-20. Review status: criteria provided, single submitter. Criteria: Invitae Variant Classification Sherloc (09022015). Collection method: clinical testing. Allele origin: germline.
Comment: This sequence change replaces asparagine, which is neutral and polar, with serine, which is neutral and polar, at codon 205 of the MVK protein (p.Asn205Ser). This variant is not present in population databases (gnomAD no frequency). This variant has not been reported in the literature in individuals affected with MVK-related conditions. ClinVar contains an entry for this variant (Variation ID: 591934). Invitae Evidence Modeling of protein sequence and biophysical properties (such as structural, functional, and spatial information, amino acid conservation, physicochemical variation, residue mobility, and thermodynamic stability) indicates that this missense variant is expected to disrupt MVK protein function with a positive predictive value of 95%. This variant disrupts the p.Asn205 amino acid residue in MVK. Other variant(s) that disrupt this residue have been determined to be pathogenic (PMID: 16835861, 26986117, 29047407, 32822427). This suggests that this residue is clinically significant, and that variants that disrupt this residue are likely to be disease-causing. In summary, the currently available evidence indicates that the variant is pathogenic, but additional data are needed to prove that conclusively. Therefore, this variant has been classified as Likely Pathogenic.

Blueprint Genetics
Classification: Uncertain significance. Last evaluated: 2021-07-05. Review status: criteria provided, single submitter. Criteria: ACMG Guidelines, 2015. Collection method: clinical testing. Allele origin: germline.

Gharavi Laboratory, Columbia University
Classification: Uncertain significance. Last evaluated: 2018-09-16. Review status: no assertion criteria provided. Criteria: ACMG Guidelines, 2015. Collection method: research. Allele origin: germline. Affected: yes. Not counted in ClinVar's aggregate classification.

Literature cited by the submitters: PubMed 16835861 (cited by Labcorp Genetics (formerly Invitae), Labcorp); PubMed 26986117 (cited by Labcorp Genetics (formerly Invitae), Labcorp); PubMed 29047407 (cited by Labcorp Genetics (formerly Invitae), Labcorp); PubMed 32822427 (cited by Labcorp Genetics (formerly Invitae), Labcorp).